The following is an entry in ClinVar:

NM_006206.6(PDGFRA):c.932-6G>A

Gene: PDGFRA (platelet derived growth factor receptor alpha; plus strand). Cytogenetic location: 4q12.
Variant type: single nucleotide variant.
Coding change: c.932-6G>A on transcript NM_006206.6 (MANE Select); 6 bases into the intron before coding-DNA position 932, G replaced by A.
Molecular consequence: intron variant.
Genome position (GRCh38, 1-based): chr4:54,267,546, G>A. VCF-style: chr4-54267546-G-A. GRCh37 (hg19) VCF-style: chr4-55133713-G-A.
Other names: c.1007-6G>A (NM_001347828.2); c.932-6G>A (NM_001347827.2, NM_001347829.2); c.971-6G>A (NM_001347830.2).
Identifiers: ClinVar variation 1097714 (VCV001097714.10), dbSNP rs2110266167, ClinGen allele CA2499217234.

ClinVar aggregate classification (germline): Likely benign. Review status: criteria provided, multiple submitters, no conflicts (2 of 4 stars). 2 submissions from 2 submitters: Likely benign (2). Last evaluated 2026-06-12.

Conditions:
Gastrointestinal stromal tumor. Also called: Gastrointestinal stroma tumor; Gastrointestinal stromal tumor, somatic. Identifiers: Orphanet 44890, MedGen C0238198, MeSH D046152, MONDO:0011719, OMIM 606764, HP:0100723.
Polyps, multiple and recurrent inflammatory fibroid, gastrointestinal. Identifiers: MedGen C5193005, MONDO:0008285, OMIM 175510.

Allele frequency attached by ClinVar (database versions not stated): gnomAD exomes below 0.00001.
gnomAD v4.1: 1 of 1,614,166 alleles (0.000062%); highest among the groups gnomAD compares: Non-Finnish European, 0.000085%; no homozygotes.

Submissions (2):

Myriad Genetics, Inc.
Classification: Likely benign for Polyps, multiple and recurrent inflammatory fibroid, gastrointestinal. Last evaluated: 2026-06-12. Review status: criteria provided, single submitter. Criteria: Myriad Autosomal Dominant, Autosomal Recessive and X-Linked Classification Criteria (2023). Collection method: clinical testing. Allele origin: unknown.
Comment: This variant is considered likely benign. This variant is intronic and is not expected to impact mRNA splicing.

Labcorp Genetics (formerly Invitae), Labcorp
Classification: Likely benign for Gastrointestinal stromal tumor. Last evaluated: 2024-07-15. Review status: criteria provided, single submitter. Criteria: Invitae Variant Classification Sherloc (09022015). Collection method: clinical testing. Allele origin: germline.